The following is an entry in ClinVar:

NM_001271.4(CHD2):c.5272C>G (p.Pro1758Ala)

Gene: CHD2 (chromodomain helicase DNA binding protein 2; plus strand). Cytogenetic location: 15q26.1.
Variant type: single nucleotide variant.
Coding change: c.5272C>G on transcript NM_001271.4 (MANE Select); coding-DNA position 5272, C replaced by G.
Protein change: p.Pro1758Ala; replaces proline 1758 with alanine.
Molecular consequence: missense variant.
Genome position (GRCh38, 1-based): chr15:93,024,490, C>G. VCF-style: chr15-93024490-C-G. GRCh37 (hg19) VCF-style: chr15-93567720-C-G.
Other names: short protein forms P1758A.
Identifiers: ClinVar variation 3235761 (VCV003235761.1), dbSNP rs2505650787, ClinGen allele CA393908433.
Genomic context (GRCh38, chr15:93,024,490, plus strand): 5'-CAGCAGGATTTCCGACGAATGTCTGATCACCGCCCCGCTATGGGCTACCATGGCCAGGGA[C>G]CCTCAGACCATTACCGCTCTTTCCACACAGATAAACTGGGGGAATATAAACAGCCTCTAC-3'
Protein context (NP_001262.3, residues 1748-1768): RPAMGYHGQG[Pro1758Ala]SDHYRSFHTD

ClinVar aggregate classification (germline): Uncertain significance (1 of 4 stars; one submission).

Submission:

Greenwood Genetic Center Diagnostic Laboratories, Greenwood Genetic Center
Classification: Uncertain significance. Last evaluated: 2024-02-26. Review status: criteria provided, single submitter. Criteria: ACMG Guidelines, 2015. Collection method: clinical testing. Allele origin: germline. Affected: yes.
Comment: Gene of Uncertain Significance